The following is an entry in ClinVar:

ClinVar aggregate classification (germline): Likely benign. Review status: criteria provided, multiple submitters, no conflicts (2 of 4 stars). 3 submissions from 3 submitters: Likely benign (3). Last evaluated 2025-10-17.

Conditions:
POMGNT1-related disorder. Also called: POMGNT1-related condition; POMGNT1-related disorders. Identifiers: MedGen CN239299.
Autosomal recessive limb-girdle muscular dystrophy type 2O. Also called: MUSCULAR DYSTROPHY-DYSTROGLYCANOPATHY (LIMB-GIRDLE), TYPE C, 3; Limb-Girdle Muscular Dystrophy Type 3C; MUSCULAR DYSTROPHY-DYSTROGLYCANOPATHY, LIMB-GIRDLE, POMGNT1-RELATED. Identifiers: Orphanet 206564, MedGen C3150417, MONDO:0013161, OMIM 613157.
Muscular dystrophy-dystroglycanopathy (congenital with impaired intellectual development), type B, 3. Also called: Muscular dystrophy-dystroglycanopathy (congenital with intellectual disability), type B3; MUSCULAR DYSTROPHY, CONGENITAL, POMGNT1-RELATED. Identifiers: MedGen C3150412, MONDO:0013155, OMIM 613151.

Allele frequency attached by ClinVar (database versions not stated): TOPMed 0.00001; gnomAD exomes 0.00002 and 0.00001; ExAC 0.00002; gnomAD 0.00001.
gnomAD v4.1: 21 of 1,613,970 alleles (0.0013%); highest among the groups gnomAD compares: Middle Eastern, 0.016%; no homozygotes.

Submissions (3):

Labcorp Genetics (formerly Invitae), Labcorp
Classification: Likely benign for Autosomal recessive limb-girdle muscular dystrophy type 2O; Muscular dystrophy-dystroglycanopathy (congenital with impaired intellectual development), type B, 3. Last evaluated: 2025-10-17. Review status: criteria provided, single submitter. Criteria: Invitae Variant Classification Sherloc (09022015). Collection method: clinical testing. Allele origin: germline.

PreventionGenetics, part of Exact Sciences
Classification: Likely benign for POMGNT1-related condition. Last evaluated: 2024-12-09. Review status: criteria provided, single submitter. Criteria: ACMG Guidelines, 2015. Collection method: clinical testing. Allele origin: germline.
Comment: This variant is classified as likely benign based on ACMG/AMP sequence variant interpretation guidelines (Richards et al. 2015 PMID: 25741868, with internal and published modifications).

Blueprint Genetics
Classification: Likely benign. Last evaluated: 2024-03-18. Review status: criteria provided, single submitter. Criteria: ACMG Guidelines, 2015. Collection method: clinical testing. Allele origin: germline.

NM_017739.4(POMGNT1):c.421-8C>T

Genes: POMGNT1 (protein O-linked mannose N-acetylglucosaminyltransferase 1 (beta 1,2-); minus strand), TSPAN1 (tetraspanin 1; plus strand). Cytogenetic location: 1p34.1.
Variant type: single nucleotide variant.
Coding change: c.421-8C>T on transcript NM_017739.4 (MANE Select); 8 bases into the intron before coding-DNA position 421, C replaced by T.
Molecular consequence: intron variant.
Genome position (GRCh38, 1-based): chr1:46,195,932, G>A on the plus strand (C>T on the coding strand, the complement: POMGNT1 is on the minus strand). VCF-style: chr1-46195932-G-A. GRCh37 (hg19) VCF-style: chr1-46661604-G-A.
Other names: c.421-8C>T (NM_001243766.2, NM_001438686.1, NM_001438688.1 and 4 more transcripts); c.355-8C>T (NM_001290129.3, NM_001438691.1, NM_001438692.1); c.-9-8C>T (NM_001290130.2).
Identifiers: ClinVar variation 1117742 (VCV001117742.11), dbSNP rs778935754, ClinGen allele CA833729.